The following is an entry in ClinVar:

ClinVar aggregate classification (germline): Uncertain significance (1 of 4 stars; one submission).

Submission:

Dasa
Classification: Uncertain significance. Last evaluated: 2025-09-12. Review status: criteria provided, single submitter. Criteria: DASA Assertion Criteria. Collection method: clinical testing. Allele origin: germline.
Comment: NM_014629.4(ARHGEF10):c.1822-1G>T affects a canonical splice site and is predicted to disrupt normal RNA splicing. This variant is absent from population databases. The currently available literature and clinical evidence are not sufficient to establish a definitive association between this variant and the reported condition. Therefore, this variant is classified as a variant of uncertain significance.

NM_014629.4(ARHGEF10):c.1822-1G>T

Gene: ARHGEF10 (Rho guanine nucleotide exchange factor 10; plus strand). Cytogenetic location: 8p23.3.
Variant type: single nucleotide variant.
Coding change: c.1822-1G>T on transcript NM_014629.4 (MANE Select); the canonical splice acceptor site of the intron before coding-DNA position 1822, G replaced by T.
Molecular consequence: splice acceptor variant.
Genome position (GRCh38, 1-based): chr8:1,905,570, G>T. VCF-style: chr8-1905570-G-T. GRCh37 (hg19) VCF-style: chr8-1853736-G-T.
Other names: c.1825-1G>T (NM_001438091.1); c.1708-1G>T (NM_001308152.2, NM_001438094.1); c.1705-1G>T (NM_001438093.1, NM_001438092.1); c.1822-1G>T (NM_001308153.3).
Identifiers: ClinVar variation 4880845 (VCV004880845.2).
Genomic context (GRCh38, chr8:1,905,570, plus strand): 5'-CATCTTTTTCTTTTCCGGGTAAACTGAACTGTGGTCCCTGGGCTGTGTTTTGAATGTCCA[G>T]CTTCTCAGCAGTGGAAGCCGATACCTCATTCGATCAGATGATATGATAGAAACAGTTTAC-3'